The following is an entry in ClinVar:

ClinVar aggregate classification (germline): Likely benign. Review status: criteria provided, multiple submitters, no conflicts (2 of 4 stars). 4 submissions from 4 submitters: Likely benign (4). Last evaluated 2025-07-14.

Conditions:
Hypertrophic cardiomyopathy 1 (CMH1). Also called: Familial hypertrophic cardiomyopathy 1; MYH7-Related Familial Hypertrophic Cardiomyopathy. Identifiers: MedGen C3495498, MONDO:0008647, OMIM 192600.

Allele frequency attached by ClinVar (database versions not stated): gnomAD 0.00002; TOPMed 0.00002; ESP Exome Variant Server 0.00008.
gnomAD v4.1: 34 of 1,613,856 alleles (0.0021%); highest among the groups gnomAD compares: South Asian, 0.0088%; no homozygotes.

Submissions (4):

Labcorp Genetics (formerly Invitae), Labcorp
Classification: Likely benign for Hypertrophic cardiomyopathy 1. Last evaluated: 2025-07-14. Review status: criteria provided, single submitter. Criteria: Invitae Variant Classification Sherloc (09022015). Collection method: clinical testing. Allele origin: germline.

Women's Health and Genetics/Laboratory Corporation of America, LabCorp
Classification: Likely benign. Last evaluated: 2023-08-19. Review status: criteria provided, single submitter. Criteria: LabCorp Variant Classification Summary - May 2015. Collection method: clinical testing. Allele origin: germline.

Blueprint Genetics
Classification: Likely benign. Last evaluated: 2022-09-06. Review status: criteria provided, single submitter. Criteria: ACMG Guidelines, 2015. Collection method: clinical testing. Allele origin: germline.

GeneDx
Classification: Likely benign. Last evaluated: 2017-08-11. Review status: criteria provided, single submitter. Criteria: GeneDx Variant Classification (06012015). Collection method: clinical testing. Allele origin: germline. Affected: yes.
Comment: This variant is considered likely benign or benign based on one or more of the following criteria: it is a conservative change, it occurs at a poorly conserved position in the protein, it is predicted to be benign by multiple in silico algorithms, and/or has population frequency not consistent with disease.

NM_033118.4(MYLK2):c.1424+20G>A

Gene: MYLK2 (myosin light chain kinase 2; plus strand). Cytogenetic location: 20q11.21.
Variant type: single nucleotide variant.
Coding change: c.1424+20G>A on transcript NM_033118.4 (MANE Select); 20 bases into the intron after coding-DNA position 1424, G replaced by A.
Molecular consequence: intron variant.
Genome position (GRCh38, 1-based): chr20:31,831,161, G>A. VCF-style: chr20-31831161-G-A. GRCh37 (hg19) VCF-style: chr20-30418964-G-A.
Identifiers: ClinVar variation 511348 (VCV000511348.6), dbSNP rs375290219, ClinGen allele CA9803204.
Genomic context (GRCh38, chr20:31,831,161, plus strand): 5'-AAGACAGACATGTGGAGTATGGGGGTGATCACCTACATGCTGTGAGCTCCCAGGCGGGTC[G>A]TGTTTATGGGGTTGGTGGGGCATGGGGGCGAGCGGCCGAGGCCAAGATTGGCCCTAGGGT-3'